The following is an entry in ClinVar:

ClinVar aggregate classification (germline): Conflicting classifications of pathogenicity. Review status: criteria provided, conflicting classifications (1 of 4 stars). 2 submissions from 2 submitters: Uncertain significance (1); Likely benign (1). Last evaluated 2026-06-23.

Conditions:
Renal cell carcinoma. Identifiers: Orphanet 217071, MedGen C0007134, MeSH D002292, MONDO:0005086, HP:0005584.
Hereditary cancer-predisposing syndrome. Also called: Hereditary Cancer Syndrome; Hereditary neoplastic syndrome; Neoplastic Syndromes, Hereditary; Tumor predisposition. Identifiers: Orphanet 140162, MedGen C0027672, MeSH D009386, MONDO:0015356.

Submissions (2):

Ambry Genetics
Classification: Likely benign for Hereditary cancer-predisposing syndrome. Last evaluated: 2026-06-23. Review status: criteria provided, single submitter. Criteria: Ambry Variant Classification Scheme 2023. Collection method: clinical testing. Allele origin: germline.

Labcorp Genetics (formerly Invitae), Labcorp
Classification: Uncertain significance for Renal cell carcinoma. Last evaluated: 2022-04-29. Review status: criteria provided, single submitter. Criteria: Invitae Variant Classification Sherloc (09022015). Collection method: clinical testing. Allele origin: germline.
Comment: In summary, the available evidence is currently insufficient to determine the role of this variant in disease. Therefore, it has been classified as a Variant of Uncertain Significance. Algorithms developed to predict the effect of missense changes on protein structure and function (SIFT, PolyPhen-2, Align-GVGD) all suggest that this variant is likely to be tolerated. This variant has not been reported in the literature in individuals affected with MET-related conditions. This variant is not present in population databases (gnomAD no frequency). This sequence change replaces lysine, which is basic and polar, with arginine, which is basic and polar, at codon 223 of the MET protein (p.Lys223Arg).

NM_000245.4(MET):c.668A>G (p.Lys223Arg)

Gene: MET (MET proto-oncogene, receptor tyrosine kinase; plus strand). Cytogenetic location: 7q31.2.
Variant type: single nucleotide variant.
Coding change: c.668A>G on transcript NM_000245.4 (MANE Select); coding-DNA position 668, A replaced by G.
Protein change: p.Lys223Arg; replaces lysine 223 with arginine.
Molecular consequence: missense variant. On other transcripts: intron variant (1).
Genome position (GRCh38, 1-based): chr7:116,699,752, A>G. VCF-style: chr7-116699752-A-G. GRCh37 (hg19) VCF-style: chr7-116339806-A-G.
Other names: c.668A>G, p.Lys223Arg (NM_001127500.3, NM_001324401.3); c.-91+27175A>G (NM_001324402.2); short protein forms K223R.
Identifiers: ClinVar variation 1754895 (VCV001754895.8), dbSNP rs2485511841, ClinGen allele CA368969579.
Genomic context (GRCh38, chr7:116,699,752, plus strand): 5'-CTTCTTATTTCCCAGATCATCCATTGCATTCGATATCAGTGAGAAGGCTAAAGGAAACGA[A>G]AGATGGTTTTATGTTTTTGACGGACCAGTCCTACATTGATGTTTTACCTGAGTTCAGAGA-3'
Protein context (NP_000236.2, residues 213-233): SISVRRLKET[Lys223Arg]DGFMFLTDQS